The following is an entry in ClinVar:

NM_000350.3(ABCA4):c.6404C>T (p.Ala2135Val)

Gene: ABCA4 (ATP binding cassette subfamily A member 4; minus strand). Cytogenetic location: 1p22.1.
Variant type: single nucleotide variant.
Coding change: c.6404C>T on transcript NM_000350.3 (MANE Select); coding-DNA position 6404, C replaced by T.
Protein change: p.Ala2135Val; replaces alanine 2135 with valine.
Molecular consequence: missense variant.
Genome position (GRCh38, 1-based): chr1:94,000,911, G>A on the plus strand (C>T on the coding strand, the complement: ABCA4 is on the minus strand). VCF-style: chr1-94000911-G-A. GRCh37 (hg19) VCF-style: chr1-94466467-G-A.
Other names: c.6182C>T, p.Ala2061Val (NM_001425324.1); short protein forms A2135V, A2061V.
Identifiers: ClinVar variation 1471243 (VCV001471243.6), dbSNP rs1659154841, ClinGen allele CA341277367.

ClinVar aggregate classification (germline): Uncertain significance (1 of 4 stars; one submission).

Allele frequency attached by ClinVar (database versions not stated): gnomAD exomes below 0.00001.
gnomAD v4.1: 1 of 1,614,220 alleles (0.000062%); highest among the groups gnomAD compares: Non-Finnish European, 0.000085%; no homozygotes.

Submission:

Labcorp Genetics (formerly Invitae), Labcorp
Classification: Uncertain significance. Last evaluated: 2025-01-06. Review status: criteria provided, single submitter. Criteria: Invitae Variant Classification Sherloc (09022015). Collection method: clinical testing. Allele origin: germline.
Comment: This sequence change replaces alanine, which is neutral and non-polar, with valine, which is neutral and non-polar, at codon 2135 of the ABCA4 protein (p.Ala2135Val). This variant is not present in population databases (gnomAD no frequency). This variant has not been reported in the literature in individuals affected with ABCA4-related conditions. ClinVar contains an entry for this variant (Variation ID: 1471243). Invitae Evidence Modeling of protein sequence and biophysical properties (such as structural, functional, and spatial information, amino acid conservation, physicochemical variation, residue mobility, and thermodynamic stability) has been performed for this missense variant. However, the output from this modeling did not meet the statistical confidence thresholds required to predict the impact of this variant on ABCA4 protein function. In summary, the available evidence is currently insufficient to determine the role of this variant in disease. Therefore, it has been classified as a Variant of Uncertain Significance.